The following is an entry in ClinVar:

ClinVar aggregate classification (germline): Benign/Likely benign. Review status: criteria provided, multiple submitters, no conflicts (2 of 4 stars). 6 submissions from 5 submitters: Benign (3); Likely benign (2). 1 of the submissions does not count toward it. Last evaluated 2026-01-30.

Conditions:
MYH3-related disorder. Also called: MYH3-Related Disorders; MYH3-related condition. Identifiers: MedGen CN239329.
Distal arthrogryposis type 2B1 (DA2B1). Also called: Arthrogryposis multiplex congenita distal type II with craniofacial abnormalities. Identifiers: Orphanet 1147, MedGen C5193014, MONDO:0020820, OMIM 601680.
Freeman-Sheldon syndrome (DA2A). Also called: CRANIOCARPOTARSAL DYSPLASIA; CRANIOCARPOTARSAL DYSTROPHY; WHISTLING FACE-WINDMILL VANE HAND SYNDROME; Arthrogryposis, distal, type 2A (Freeman-Sheldon). Identifiers: Orphanet 2053, MedGen C0265224, MONDO:0008675, OMIM 193700.

Allele frequency attached by ClinVar (database versions not stated): 1000 Genomes Project 30x 0.00031; ESP Exome Variant Server 0.00038; 1000 Genomes Project 0.00040; TOPMed 0.00045; gnomAD 0.00086 and 0.00092; ExAC 0.00129; gnomAD exomes 0.00130.

Submissions (6):

Labcorp Genetics (formerly Invitae), Labcorp
Classification: Benign. Last evaluated: 2026-01-30. Review status: criteria provided, single submitter. Criteria: Invitae Variant Classification Sherloc (09022015). Collection method: clinical testing. Allele origin: germline.

Blueprint Genetics
Classification: Likely benign. Last evaluated: 2024-10-02. Review status: criteria provided, single submitter. Criteria: ACMG Guidelines, 2015. Collection method: clinical testing. Allele origin: germline.

GeneDx
Classification: Benign. Last evaluated: 2021-03-25. Review status: criteria provided, single submitter. Criteria: GeneDx Variant Classification Process June 2021. Collection method: clinical testing. Allele origin: germline. Affected: yes.

Illumina Laboratory Services, Illumina
Classification: Likely benign for Distal arthrogryposis type 2B1. Last evaluated: 2018-01-12. Review status: criteria provided, single submitter. Criteria: ICSL Variant Classification Criteria 13 December 2019. Collection method: clinical testing. Allele origin: germline.
Comment: This variant was observed in the ICSL laboratory as part of a predisposition screen in an ostensibly healthy population. It had not been previously curated by ICSL or reported in the Human Gene Mutation Database (HGMD: prior to June 1st, 2018), and was therefore a candidate for classification through an automated scoring system. Utilizing variant allele frequency, disease prevalence and penetrance estimates, and inheritance mode, an automated score was calculated to assess if this variant is too frequent to cause the disease. Based on the score and internal cut-off values, a variant classified as likely benign is not then subjected to further curation. The score for this variant resulted in a classification of likely benign for this disease.

Illumina Laboratory Services, Illumina
Classification: Benign for Freeman-Sheldon syndrome. Last evaluated: 2018-01-12. Review status: criteria provided, single submitter. Criteria: ICSL Variant Classification Criteria 13 December 2019. Collection method: clinical testing. Allele origin: germline.
Comment: This variant was observed in the ICSL laboratory as part of a predisposition screen in an ostensibly healthy population. It had not been previously curated by ICSL or reported in the Human Gene Mutation Database (HGMD: prior to June 1st, 2018), and was therefore a candidate for classification through an automated scoring system. Utilizing variant allele frequency, disease prevalence and penetrance estimates, and inheritance mode, an automated score was calculated to assess if this variant is too frequent to cause the disease. Based on the score and internal cut-off values, a variant classified as benign is not then subjected to further curation. The score for this variant resulted in a classification of benign for this disease.

PreventionGenetics, part of Exact Sciences
Classification: Likely benign for MYH3-related condition. Last evaluated: 2019-08-15. Review status: no assertion criteria provided. Collection method: clinical testing. Allele origin: germline. Not counted in ClinVar's aggregate classification.
Comment: This variant is classified as likely benign based on ACMG/AMP sequence variant interpretation guidelines (Richards et al. 2015 PMID: 25741868, with internal and published modifications).

NM_002470.4(MYH3):c.642+10G>A

Gene: MYH3 (myosin heavy chain 3; minus strand). Cytogenetic location: 17p13.1.
Variant type: single nucleotide variant.
Coding change: c.642+10G>A on transcript NM_002470.4 (MANE Select); 10 bases into the intron after coding-DNA position 642, G replaced by A.
Molecular consequence: intron variant.
Genome position (GRCh38, 1-based): chr17:10,649,567, C>T on the plus strand (G>A on the coding strand, the complement: MYH3 is on the minus strand). VCF-style: chr17-10649567-C-T. GRCh37 (hg19) VCF-style: chr17-10552884-C-T.
Identifiers: ClinVar variation 321768 (VCV000321768.22), dbSNP rs183463746, ClinGen allele CA8393206.